The following is an entry in ClinVar:

ClinVar aggregate classification (germline): Benign. Review status: criteria provided, multiple submitters, no conflicts (2 of 4 stars). 6 submissions from 5 submitters: Benign (6). Last evaluated 2026-02-02.

Conditions:
Retinal dystrophy. Also called: Inherited retinal dystrophy. Identifiers: Orphanet 71862, MedGen C0854723, MeSH D058499, MONDO:0019118, HP:0000556.
Oguchi disease. Also called: Oguchi's disease. Identifiers: Orphanet 75382, MedGen C1306122, MONDO:0019152.
Retinitis pigmentosa (RP). Identifiers: Orphanet 791, MedGen C0035334, MeSH D012174, MONDO:0019200, OMIM 268000. Inheritance: Autosomal dominant, autosomal recessive and X linked inheritance.

Allele frequency attached by ClinVar (database versions not stated): ExAC 0.10147; 1000 Genomes Project 0.10623; 1000 Genomes Project 30x 0.11399; TOPMed 0.12420; gnomAD 0.12618 and 0.13074; ESP Exome Variant Server 0.12935.
gnomAD v4.1: 166,408 of 1,612,658 alleles (10%); highest among the groups gnomAD compares: African/African-American, 19%; 9,525 homozygotes.

Submissions (6):

Labcorp Genetics (formerly Invitae), Labcorp
Classification: Benign. Last evaluated: 2026-02-02. Review status: criteria provided, single submitter. Criteria: Invitae Variant Classification Sherloc (09022015). Collection method: clinical testing. Allele origin: germline.

Dept Of Ophthalmology, Nagoya University
Classification: Benign for Retinal dystrophy. Last evaluated: 2023-10-01. Review status: criteria provided, single submitter. Criteria: Submitter's publication. Collection method: research. Allele origin: germline. Affected: yes.

GeneDx
Classification: Benign. Last evaluated: 2018-05-09. Review status: criteria provided, single submitter. Criteria: GeneDx Variant Classification (06012015). Collection method: clinical testing. Allele origin: germline. Affected: yes.
Comment: This variant is considered likely benign or benign based on one or more of the following criteria: it is a conservative change, it occurs at a poorly conserved position in the protein, it is predicted to be benign by multiple in silico algorithms, and/or has population frequency not consistent with disease.

Illumina Laboratory Services, Illumina
Classification: Benign for Retinitis pigmentosa. Last evaluated: 2018-01-13. Review status: criteria provided, single submitter. Criteria: ICSL Variant Classification Criteria 13 December 2019. Collection method: clinical testing. Allele origin: germline.
Comment: This variant was observed in the ICSL laboratory as part of a predisposition screen in an ostensibly healthy population. It had not been previously curated by ICSL or reported in the Human Gene Mutation Database (HGMD: prior to June 1st, 2018), and was therefore a candidate for classification through an automated scoring system. Utilizing variant allele frequency, disease prevalence and penetrance estimates, and inheritance mode, an automated score was calculated to assess if this variant is too frequent to cause the disease. Based on the score and internal cut-off values, a variant classified as benign is not then subjected to further curation. The score for this variant resulted in a classification of benign for this disease.

Illumina Laboratory Services, Illumina
Classification: Benign for Oguchi disease-1. Last evaluated: 2018-01-13. Review status: criteria provided, single submitter. Criteria: ICSL Variant Classification Criteria 13 December 2019. Collection method: clinical testing. Allele origin: germline.
Comment: the same text as in the submission from Illumina Laboratory Services, Illumina above.

Breakthrough Genomics
Classification: Benign. Review status: criteria provided, single submitter. Criteria: ACMG Guidelines, 2015. Collection method: not provided. Allele origin: germline. Inheritance: Autosomal recessive inheritance. Affected: yes.

NM_000541.5(SAG):c.489C>T (p.Ala163=)

Gene: SAG (S-antigen visual arrestin; plus strand). Cytogenetic location: 2q37.1.
Variant type: single nucleotide variant.
Coding change: c.489C>T on transcript NM_000541.5 (MANE Select); coding-DNA position 489, C replaced by T.
Protein change: p.Ala163=; no amino-acid change (alanine 163 retained).
Molecular consequence: synonymous variant.
Genome position (GRCh38, 1-based): chr2:233,327,174, C>T. VCF-style: chr2-233327174-C-T. GRCh37 (hg19) VCF-style: chr2-234235820-C-T.
Identifiers: ClinVar variation 335069 (VCV000335069.16), dbSNP rs2304773, ClinGen allele CA2174395.